The following is an entry in ClinVar:

ClinVar aggregate classification (germline): Uncertain significance (1 of 4 stars; one submission).

Submission:

Labcorp Genetics (formerly Invitae), Labcorp
Classification: Uncertain significance. Last evaluated: 2024-11-07. Review status: criteria provided, single submitter. Criteria: Invitae Variant Classification Sherloc (09022015). Collection method: clinical testing. Allele origin: germline.
Comment: This sequence change replaces threonine, which is neutral and polar, with isoleucine, which is neutral and non-polar, at codon 1670 of the VCAN protein (p.Thr1670Ile). This variant is not present in population databases (gnomAD no frequency). This variant has not been reported in the literature in individuals affected with VCAN-related conditions. An algorithm developed to predict the effect of missense changes on protein structure and function (PolyPhen-2) suggests that this variant is likely to be tolerated. In summary, the available evidence is currently insufficient to determine the role of this variant in disease. Therefore, it has been classified as a Variant of Uncertain Significance.

NM_004385.5(VCAN):c.5009C>T (p.Thr1670Ile)

Genes: VCAN (versican; plus strand), VCAN-AS1 (VCAN antisense RNA 1; minus strand). Cytogenetic location: 5q14.3.
Variant type: single nucleotide variant.
Coding change: c.5009C>T on transcript NM_004385.5 (MANE Select); coding-DNA position 5009, C replaced by T.
Protein change: p.Thr1670Ile; replaces threonine 1670 with isoleucine.
Molecular consequence: missense variant. On other transcripts: intron variant (2).
Genome position (GRCh38, 1-based): chr5:83,538,012, C>T. VCF-style: chr5-83538012-C-T. GRCh37 (hg19) VCF-style: chr5-82833831-C-T.
Other names: c.2048C>T, p.Thr683Ile (NM_001164097.2); c.4004-7525C>T (NM_001164098.2); c.1043-7525C>T (NM_001126336.3); short protein forms T1670I, T683I.
Identifiers: ClinVar variation 3724861 (VCV003724861.2).
Genomic context (GRCh38, chr5:83,538,012, plus strand): 5'-ATACAATGTTCACCATGGTAACTGATTTATCACAGAGAAATACTACTGATACACTCATTA[C>T]TTTAGACACTAGCAGGATAATCACAGAAAGCTTTTTTGAGGTTCCTGCAACCACCATTTA-3'
Protein context (NP_004376.2, residues 1660-1680): SQRNTTDTLI[Thr1670Ile]LDTSRIITES